The following is an entry in ClinVar:

ClinVar aggregate classification (germline): Uncertain significance (1 of 4 stars; one submission).

Conditions:
Gastrointestinal stromal tumor. Also called: Gastrointestinal stromal tumor, somatic; Gastrointestinal stroma tumor. Identifiers: Orphanet 44890, MedGen C0238198, MeSH D046152, MONDO:0011719, OMIM 606764, HP:0100723.

Allele frequency attached by ClinVar (database versions not stated): gnomAD exomes below 0.00001; ExAC 0.00001.
gnomAD v4.1: 1 of 1,613,820 alleles (0.000062%); highest among the groups gnomAD compares: South Asian, 0.0011%; no homozygotes.

Submission:

Labcorp Genetics (formerly Invitae), Labcorp
Classification: Uncertain significance for Gastrointestinal stromal tumor. Last evaluated: 2021-11-19. Review status: criteria provided, single submitter. Criteria: Invitae Variant Classification Sherloc (09022015). Collection method: clinical testing. Allele origin: germline.
Comment: This variant has not been reported in the literature in individuals affected with PDGFRA-related conditions. This sequence change replaces valine, which is neutral and non-polar, with alanine, which is neutral and non-polar, at codon 683 of the PDGFRA protein (p.Val683Ala). This variant is present in population databases (rs761133809, gnomAD 0.003%). Algorithms developed to predict the effect of missense changes on protein structure and function are either unavailable or do not agree on the potential impact of this missense change (SIFT: "Tolerated"; PolyPhen-2: "Possibly Damaging"; Align-GVGD: "Class C0"). In summary, the available evidence is currently insufficient to determine the role of this variant in disease. Therefore, it has been classified as a Variant of Uncertain Significance.

NM_006206.6(PDGFRA):c.2048T>C (p.Val683Ala)

Gene: PDGFRA (platelet derived growth factor receptor alpha; plus strand). Cytogenetic location: 4q12.
Variant type: single nucleotide variant.
Coding change: c.2048T>C on transcript NM_006206.6 (MANE Select); coding-DNA position 2048, T replaced by C.
Protein change: p.Val683Ala; replaces valine 683 with alanine.
Molecular consequence: missense variant.
Genome position (GRCh38, 1-based): chr4:54,278,407, T>C. VCF-style: chr4-54278407-T-C. GRCh37 (hg19) VCF-style: chr4-55144574-T-C.
Other names: c.2048T>C, p.Val683Ala (NM_001347827.2, NM_001347829.2); c.2123T>C, p.Val708Ala (NM_001347828.2); c.2087T>C, p.Val696Ala (NM_001347830.2); short protein forms V683A, V696A, V708A.
Identifiers: ClinVar variation 1504574 (VCV001504574.6), dbSNP rs761133809, ClinGen allele CA2922742.